The following is an entry in ClinVar:

ClinVar aggregate classification (germline): Uncertain significance (1 of 4 stars; one submission).

Conditions:
Cardiovascular phenotype. Identifiers: MedGen CN230736.

Submission:

Ambry Genetics
Classification: Uncertain significance for Cardiovascular phenotype. Last evaluated: 2024-11-02. Review status: criteria provided, single submitter. Criteria: Ambry Variant Classification Scheme 2023. Collection method: clinical testing. Allele origin: germline.
Comment: The p.R971S variant (also known as c.2913A>C), located in coding exon 6 of the TNXB gene, results from an A to C substitution at nucleotide position 2913. The arginine at codon 971 is replaced by serine, an amino acid with dissimilar properties. This amino acid position is conserved. In addition, this alteration is predicted to be tolerated by in silico analysis. Based on the available evidence, the clinical significance of this variant remains unclear.

NM_001365276.2(TNXB):c.2913A>C (p.Arg971Ser)

Gene: TNXB (tenascin XB; minus strand). Cytogenetic location: 6p21.33.
Variant type: single nucleotide variant.
Coding change: c.2913A>C on transcript NM_001365276.2 (MANE Select); coding-DNA position 2913, A replaced by C.
Protein change: p.Arg971Ser; replaces arginine 971 with serine.
Molecular consequence: missense variant.
Genome position (GRCh38, 1-based): chr6:32,085,985, T>G on the plus strand (A>C on the coding strand, the complement: TNXB is on the minus strand). VCF-style: chr6-32085985-T-G. GRCh37 (hg19) VCF-style: chr6-32053762-T-G.
Other names: c.3654A>C, p.Arg1218Ser (NM_001428335.1); c.2913A>C, p.Arg971Ser (NM_019105.8); short protein forms R1218S, R971S.
Identifiers: ClinVar variation 3459898 (VCV003459898.1).
Genomic context (GRCh38, chr6:32,085,985, plus strand): 5'-GAAGTAGGCAAAGGTGTCAGGCTGGGCGGTCCAGACCACACGGAGGCGCCCTGTCTCATC[T>G]CTGCCCAGCACCCTCAACTCTCCCAGCTCCTGGGGGCGCTGCTGCAGGAGAGGAGCCTGG-3'
Protein context (NP_001352205.1, residues 961-981): QELGELRVLG[Arg971Ser]DETGRLRVVW